The following is an entry in ClinVar:

ClinVar aggregate classification (germline): Pathogenic (1 of 4 stars; one submission).

Conditions:
Holocarboxylase synthetase deficiency. Also called: MULTIPLE CARBOXYLASE DEFICIENCY, EARLY ONSET. Identifiers: Orphanet 79242, MedGen C0268581, MONDO:0009666, OMIM 253270.

Submission:

Myriad Genetics, Inc.
Classification: Pathogenic for Holocarboxylase synthetase deficiency. Last evaluated: 2025-02-11. Review status: criteria provided, single submitter. Criteria: Myriad Autosomal Dominant, Autosomal Recessive and X-Linked Classification Criteria (2023). Collection method: clinical testing. Allele origin: unknown.
Comment: NM_000411.6(HLCS):c.1564delT(S522Lfs*9) is expected to be pathogenic in the context of holocarboxylase synthetase deficiency. This variant is predicted to lead to an abnormal or absent protein product due to the creation of a premature termination codon in HLCS, a gene where loss-of-function variants are known to be pathogenic. Please note: this variant was assessed in the context of healthy population screening.

NM_001352514.2(HLCS):c.2005del (p.Ser669fs)

Gene: HLCS (holocarboxylase synthetase; minus strand). Cytogenetic location: 21q22.13.
Variant type: Deletion.
Coding change: c.2005del on transcript NM_001352514.2 (MANE Select); coding-DNA position 2005, one base deleted (T; older notation c.2005delT).
Protein change: p.Ser669fs; shifts the reading frame from serine 669.
Molecular consequence: frameshift variant. On other transcripts: non-coding transcript variant (2).
Genome position (GRCh38, 1-based): chr21:36,765,128, A deleted on the plus strand (T on the coding strand, the reverse complement: HLCS is on the minus strand); the first of 3 consecutive A bases (chr21:36,765,128-36,765,130); deleting any one gives the same sequence. VCF-style (leftmost placement, unchanged base first): chr21-36765127-GA-G. GRCh37 (hg19) VCF-style: chr21-38137428-GA-G.
Other names: c.1564del, p.Ser522fs (NM_000411.8, NM_001242784.3, NM_001242785.2 and 4 more transcripts); short protein forms S522fs, S669fs.
Identifiers: ClinVar variation 5014090 (VCV005014090.1).